The following is an entry in ClinVar:

NM_206933.4(USH2A):c.1158C>A (p.Ile386=)

Gene: USH2A (usherin; minus strand). Cytogenetic location: 1q41.
Variant type: single nucleotide variant.
Coding change: c.1158C>A on transcript NM_206933.4 (MANE Select); coding-DNA position 1158, C replaced by A.
Protein change: p.Ile386=; no amino-acid change (isoleucine 386 retained).
Molecular consequence: synonymous variant.
Genome position (GRCh38, 1-based): chr1:216,324,338, G>T on the plus strand (C>A on the coding strand, the complement: USH2A is on the minus strand). VCF-style: chr1-216324338-G-T. GRCh37 (hg19) VCF-style: chr1-216497680-G-T.
Other names: c.1158C>A, p.Ile386= (NM_007123.6).
Identifiers: ClinVar variation 736847 (VCV000736847.12), dbSNP rs1037072307, ClinGen allele CA37898366.

ClinVar aggregate classification (germline): Likely benign. Review status: criteria provided, multiple submitters, no conflicts (2 of 4 stars). 3 submissions from 3 submitters: Likely benign (2). 1 of the submissions does not count toward it. Last evaluated 2026-01-17.

Conditions:
USH2A-related disorder. Also called: USH2A-related condition; USH2A-related disorders. Identifiers: MedGen CN239332.
Usher syndrome type 2A. Also called: RETINAL DISEASE IN USHER SYNDROME TYPE IIA, MODIFIER OF; USHER SYNDROME, TYPE IIA. Identifiers: Orphanet 231178, Orphanet 886, MedGen C1848634, MONDO:0010169, OMIM 276901.

Allele frequency attached by ClinVar (database versions not stated): gnomAD exomes below 0.00001; gnomAD 0.00006 and 0.00007; TOPMed 0.00008.
gnomAD v4.1: 13 of 1,611,084 alleles (0.00081%); highest among the groups gnomAD compares: African/African-American, 0.016%; no homozygotes.

Submissions (3):

PreventionGenetics, part of Exact Sciences
Classification: Likely benign for USH2A-related condition. Last evaluated: 2026-01-17. Review status: criteria provided, single submitter. Criteria: ACMG Guidelines, 2015. Collection method: clinical testing. Allele origin: germline.
Comment: This variant is classified as likely benign based on ACMG/AMP sequence variant interpretation guidelines (Richards et al. 2015 PMID: 25741868, with internal and published modifications).

Labcorp Genetics (formerly Invitae), Labcorp
Classification: Likely benign. Last evaluated: 2025-08-15. Review status: criteria provided, single submitter. Criteria: Invitae Variant Classification Sherloc (09022015). Collection method: clinical testing. Allele origin: germline.

Natera, Inc.
Classification: Likely benign for Usher syndrome type 2A. Last evaluated: 2019-12-23. Review status: no assertion criteria provided. Collection method: clinical testing. Allele origin: germline. Not counted in ClinVar's aggregate classification.